The following is an entry in ClinVar:

ClinVar aggregate classification (germline): Uncertain significance (1 of 4 stars; one submission).

Conditions:
Cardiomyopathy (CMYO). Also called: Cardiomyopathies. Identifiers: Orphanet 167848, MedGen C0878544, MONDO:0004994, HP:0001638. Inheritance: Various modes of inheritance.

Submission:

Color Diagnostics, LLC DBA Color Health
Classification: Uncertain significance for Cardiomyopathy. Last evaluated: 2024-01-08. Review status: criteria provided, single submitter. Criteria: ACMG Guidelines, 2015. Collection method: clinical testing. Allele origin: germline.
Comment: This missense variant replaces threonine with isoleucine at codon 651 of the DSC2 protein. Computational prediction suggests that this variant may not impact protein structure and function (internally defined REVEL score threshold <= 0.5, PMID: 27666373). To our knowledge, functional studies have not been reported for this variant. This variant has not been reported in individuals affected with DSC2-related disorders in the literature. This variant has been identified in 2/250686 chromosomes in the general population by the Genome Aggregation Database (gnomAD). The available evidence is insufficient to determine the role of this variant in disease conclusively. Therefore, this variant is classified as a Variant of Uncertain Significance.

NM_024422.6(DSC2):c.1952C>T (p.Thr651Ile)

Gene: DSC2 (desmocollin 2; minus strand). Cytogenetic location: 18q12.1.
Variant type: single nucleotide variant.
Coding change: c.1952C>T on transcript NM_024422.6 (MANE Select); coding-DNA position 1952, C replaced by T.
Protein change: p.Thr651Ile; replaces threonine 651 with isoleucine.
Molecular consequence: missense variant.
Genome position (GRCh38, 1-based): chr18:31,071,778, G>A on the plus strand (C>T on the coding strand, the complement: DSC2 is on the minus strand). VCF-style: chr18-31071778-G-A. GRCh37 (hg19) VCF-style: chr18-28651744-G-A.
Other names: c.1523C>T, p.Thr508Ile (NM_001406506.1, NM_001406507.1); c.1952C>T, p.Thr651Ile (NM_004949.5); short protein forms T508I, T651I.
Identifiers: ClinVar variation 3894335 (VCV003894335.1).